The following is an entry in ClinVar:

ClinVar aggregate classification (germline): Uncertain significance. Review status: criteria provided, multiple submitters, no conflicts (2 of 4 stars). 2 submissions from 2 submitters: Uncertain significance (2). Last evaluated 2025-01-15.

Conditions:
Inborn genetic diseases. Identifiers: MedGen C0950123, MeSH D030342.
Periodic fever-infantile enterocolitis-autoinflammatory syndrome. Also called: Autoinflammation with infantile enterocolitis. Identifiers: Orphanet 436166, MedGen C4015067, MONDO:0014472, OMIM 616050.
Familial cold autoinflammatory syndrome 4 (FCAS4). Identifiers: Orphanet 47045, Orphanet 576349, MedGen C4015276, MONDO:0014498, OMIM 616115.

Allele frequency attached by ClinVar (database versions not stated): ExAC 0.00001; TOPMed 0.00002; gnomAD 0.00001.
gnomAD v4.1: 15 of 1,614,030 alleles (0.00093%); highest among the groups gnomAD compares: Admixed American, 0.0017%; no homozygotes.

Submissions (2):

Ambry Genetics
Classification: Uncertain significance for Inborn genetic diseases. Last evaluated: 2025-01-15. Review status: criteria provided, single submitter. Criteria: Ambry Variant Classification Scheme 2023. Collection method: clinical testing. Allele origin: germline.

Labcorp Genetics (formerly Invitae), Labcorp
Classification: Uncertain significance for Periodic fever-infantile enterocolitis-autoinflammatory syndrome; Familial cold autoinflammatory syndrome 4. Last evaluated: 2023-02-16. Review status: criteria provided, single submitter. Criteria: Invitae Variant Classification Sherloc (09022015). Collection method: clinical testing. Allele origin: germline.
Comment: In summary, the available evidence is currently insufficient to determine the role of this variant in disease. Therefore, it has been classified as a Variant of Uncertain Significance. This sequence change replaces threonine, which is neutral and polar, with methionine, which is neutral and non-polar, at codon 361 of the NLRC4 protein (p.Thr361Met). This variant is not present in population databases (gnomAD no frequency). This variant has not been reported in the literature in individuals affected with NLRC4-related conditions. ClinVar contains an entry for this variant (Variation ID: 1002396). Advanced modeling of protein sequence and biophysical properties (such as structural, functional, and spatial information, amino acid conservation, physicochemical variation, residue mobility, and thermodynamic stability) performed at Invitae indicates that this missense variant is not expected to disrupt NLRC4 protein function.

NM_001199138.2(NLRC4):c.1082C>T (p.Thr361Met)

Gene: NLRC4 (NLR family CARD domain containing 4; minus strand). Cytogenetic location: 2p22.3.
Variant type: single nucleotide variant.
Coding change: c.1082C>T on transcript NM_001199138.2 (MANE Select); coding-DNA position 1082, C replaced by T.
Protein change: p.Thr361Met; replaces threonine 361 with methionine.
Molecular consequence: missense variant. On other transcripts: intron variant (1).
Genome position (GRCh38, 1-based): chr2:32,250,782, G>A on the plus strand (C>T on the coding strand, the complement: NLRC4 is on the minus strand). VCF-style: chr2-32250782-G-A. GRCh37 (hg19) VCF-style: chr2-32475851-G-A.
Other names: c.1082C>T, p.Thr361Met (NM_001199139.2, NM_021209.5); c.262+1637C>T (NM_001302504.1); short protein forms T361M.
Identifiers: ClinVar variation 1002396 (VCV001002396.6), dbSNP rs762565505, ClinGen allele CA1602045.